The following is an entry in ClinVar:

ClinVar aggregate classification (germline): Uncertain significance (1 of 4 stars; one submission).

gnomAD v4.1: 18 of 1,613,882 alleles (0.0011%); highest among the groups gnomAD compares: Non-Finnish European, 0.0014%; no homozygotes.

Submission:

Labcorp Genetics (formerly Invitae), Labcorp
Classification: Uncertain significance. Last evaluated: 2026-01-13. Review status: criteria provided, single submitter. Criteria: Invitae Variant Classification Sherloc (09022015). Collection method: clinical testing. Allele origin: germline.
Comment: This sequence change replaces alanine, which is neutral and non-polar, with threonine, which is neutral and polar, at codon 106 of the PHF21A protein (p.Ala106Thr). This variant is present in population databases (rs749381550, gnomAD 0.002%). This variant has not been reported in the literature in individuals affected with PHF21A-related conditions. Invitae Evidence Modeling of protein sequence and biophysical properties (such as structural, functional, and spatial information, amino acid conservation, physicochemical variation, residue mobility, and thermodynamic stability) indicates that this missense variant is not expected to disrupt PHF21A protein function with a negative predictive value of 80%. In summary, the available evidence is currently insufficient to determine the role of this variant in disease. Therefore, it has been classified as a Variant of Uncertain Significance.

NM_001352027.3(PHF21A):c.316G>A (p.Ala106Thr)

Gene: PHF21A (PHD finger protein 21A; minus strand). Cytogenetic location: 11p11.2.
Variant type: single nucleotide variant.
Coding change: c.316G>A on transcript NM_001352027.3 (MANE Select); coding-DNA position 316, G replaced by A.
Protein change: p.Ala106Thr; replaces alanine 106 with threonine.
Molecular consequence: missense variant. On other transcripts: non-coding transcript variant (2).
Genome position (GRCh38, 1-based): chr11:45,979,804, C>T on the plus strand (G>A on the coding strand, the complement: PHF21A is on the minus strand). VCF-style: chr11-45979804-C-T. GRCh37 (hg19) VCF-style: chr11-46001355-C-T.
Other names: c.316G>A, p.Ala106Thr (NM_001101802.3, NM_001352025.3, NM_001352026.3 and 9 more transcripts); c.337G>A, p.Ala113Thr (NM_001441167.1, NM_001441168.1, NM_001441169.1); short protein forms A113T, A106T.
Identifiers: ClinVar variation 4699415 (VCV004699415.1).